The following continues an entry in ClinVar:

NM_001005242.3(PKP2):c.2299C>A (p.Arg767Ser)

Gene: PKP2. ClinVar aggregate classification (germline): Conflicting classifications of pathogenicity. Uncertain significance (2); Benign (6); Likely benign (10).

Submissions 19 to 24 of 24:

PreventionGenetics, part of Exact Sciences
Classification: Likely benign for PKP2-related condition. Last evaluated: 2019-05-30. Review status: no assertion criteria provided. Collection method: clinical testing. Allele origin: germline. Not counted in ClinVar's aggregate classification.
Comment: This variant is classified as likely benign based on ACMG/AMP sequence variant interpretation guidelines (Richards et al. 2015 PMID: 25741868, with internal and published modifications).

CSER _CC_NCGL, University of Washington
Classification: Uncertain significance for Arrhythmogenic right ventricular dysplasia/cardiomyopathy. Last evaluated: 2014-06-01. Review status: no assertion criteria provided. Collection method: research. Allele origin: germline. Inheritance: Autosomal dominant inheritance. Study: ESP 6500 variant annotation. Not counted in ClinVar's aggregate classification.
Comment: Variants classified for the Actionable exomic incidental findings in 6503 participants: challenges of variant classification manuscript

Clinical Genetics, Academic Medical Center
Classification: Likely benign. Review status: no assertion criteria provided. Collection method: clinical testing. Allele origin: germline. Affected: yes. Study: VKGL Data-share Consensus. Not counted in ClinVar's aggregate classification.

Diagnostic Laboratory, Department of Genetics, University Medical Center Groningen
Classification: Likely benign for Arrhythmogenic right ventricular dysplasia 9. Review status: no assertion criteria provided. Collection method: clinical testing. Allele origin: germline. Affected: yes. Study: VKGL Data-share Consensus. Not counted in ClinVar's aggregate classification.

Joint Genome Diagnostic Labs from Nijmegen and Maastricht, Radboudumc and MUMC+
Classification: Likely benign. Review status: no assertion criteria provided. Collection method: clinical testing. Allele origin: germline. Affected: yes. Study: VKGL Data-share Consensus. Not counted in ClinVar's aggregate classification.

Laboratory of Diagnostic Genome Analysis, Leiden University Medical Center (LUMC)
Classification: Likely benign. Review status: no assertion criteria provided. Collection method: clinical testing. Allele origin: germline. Affected: yes. Study: VKGL Data-share Consensus. Not counted in ClinVar's aggregate classification.

Literature cited by the submitters: PubMed 20400443 (cited by 4 submitters); PubMed 20857253 (cited by 4 submitters); PubMed 20829228 (cited by 4 submitters); PubMed 23299917 (cited by 3 submitters); PubMed 23810883 (cited by 3 submitters); PubMed 24832006 (cited by 3 submitters); PubMed 26656175 (cited by Women's Health and Genetics/Laboratory Corporation of America, LabCorp and Ambry Genetics); PubMed 30615648 (cited by Women's Health and Genetics/Laboratory Corporation of America, LabCorp); PubMed 28341588 (cited by Women's Health and Genetics/Laboratory Corporation of America, LabCorp and Ambry Genetics); PubMed 29582136 (cited by Women's Health and Genetics/Laboratory Corporation of America, LabCorp); PubMed 23861362 (cited by Ambry Genetics); PubMed 25351510 (cited by Ambry Genetics); PubMed 26332594 (cited by Ambry Genetics); PubMed 26743238 (cited by Ambry Genetics); PubMed 25637381 (cited by Laboratory for Molecular Medicine, Mass General Brigham Personalized Medicine).